The following is an entry in ClinVar:

NM_000540.3(RYR1):c.3424del (p.Trp1142fs)

Gene: RYR1 (ryanodine receptor 1; plus strand). Cytogenetic location: 19q13.2.
Variant type: Deletion.
Coding change: c.3424del on transcript NM_000540.3 (MANE Select); coding-DNA position 3424, one base deleted (T; older notation c.3424delT).
Protein change: p.Trp1142fs; shifts the reading frame from tryptophan 1142.
Molecular consequence: frameshift variant.
Genome position (GRCh38, 1-based): chr19:38,469,008, T deleted. VCF-style (leftmost placement, unchanged base first): chr19-38469007-CT-C. GRCh37 (hg19) VCF-style: chr19-38959647-CT-C.
Other names: c.3424del, p.Trp1142fs (NM_001042723.2); short protein forms W1142fs.
Identifiers: ClinVar variation 1459312 (VCV001459312.7), dbSNP rs1168352165, ClinGen allele CA633066031.

ClinVar aggregate classification (germline): Conflicting classifications of pathogenicity. Review status: criteria provided, conflicting classifications (1 of 4 stars). 3 submissions from 3 submitters: Pathogenic (1); Uncertain significance (2). Last evaluated 2025-11-24.

Conditions:
Malignant hyperthermia, susceptibility to, 1 (MHS1). Also called: RYR1-Related Malignant Hyperthermia Susceptibility; Malignant hyperthermia suceptibility 1; Anesthesia related hyperthermia; Malignant hyperpyrexia; Fulminating hyperpyrexia; Pharmacogenic myopathy. Identifiers: Orphanet 423, MedGen C2930980, MONDO:0007783, OMIM 145600.
RYR1-related disorder. Also called: RYR1-related disorders; RYR1-related condition. Identifiers: MedGen CN239331.

Allele frequency attached by ClinVar (database versions not stated): gnomAD exomes below 0.00001; gnomAD 0.00001; TOPMed 0.00001.

Submissions (3):

Labcorp Genetics (formerly Invitae), Labcorp
Classification: Pathogenic for RYR1-related disorder. Last evaluated: 2025-11-24. Review status: criteria provided, single submitter. Criteria: Invitae Variant Classification Sherloc (09022015). Collection method: clinical testing. Allele origin: germline.
Comment: This sequence change creates a premature translational stop signal (p.Trp1142Glyfs*10) in the RYR1 gene. It is expected to result in an absent or disrupted protein product. Loss-of-function variants in RYR1 are known to be pathogenic (PMID: 23919265, 25960145, 28818389, 30611313). This variant is present in population databases (no rsID available, gnomAD 0.006%). This variant has not been reported in the literature in individuals affected with RYR1-related conditions. ClinVar contains an entry for this variant (Variation ID: 1459312). For these reasons, this variant has been classified as Pathogenic.

Color Diagnostics, LLC DBA Color Health
Classification: Uncertain significance for Malignant hyperthermia, susceptibility to, 1. Last evaluated: 2023-12-21. Review status: criteria provided, single submitter. Criteria: ACMG Guidelines, 2015. Collection method: clinical testing. Allele origin: germline.
Comment: This variant deletes 1 nucleotide in exon 26 of the RYR1 gene, creating a frameshift and premature translation stop signal. This variant is expected to result in an absent or non-functional protein product. To our knowledge, this variant has not been reported in individuals affected with malignant hyperthermia in the literature. This variant has been identified in 1/251462 chromosomes in the general population by the Genome Aggregation Database (gnomAD). Loss of RYR1 function due to truncation variants is not an established disease mechanism for autosomal dominant malignant hyperthermia, although it is associated with other phenotype(s). The available evidence is insufficient to determine the role of this variant in disease conclusively. Therefore, this variant is classified as a Variant of Uncertain Significance for autosomal dominant malignant hyperthermia.

All of Us Research Program, National Institutes of Health
Classification: Uncertain significance for Malignant hyperthermia, susceptibility to, 1. Last evaluated: 2023-10-02. Review status: criteria provided, single submitter. Criteria: ACMG Guidelines, 2015. Collection method: clinical testing. Allele origin: germline. Inheritance: Autosomal dominant inheritance. Observed: 1 variant allele, 1 heterozygote.
Comment: This variant deletes 1 nucleotide in exon 26 of the RYR1 gene, creating a frameshift and premature translation stop signal. This variant is expected to result in an absent or non-functional protein product. To our knowledge, this variant has not been reported in individuals affected with malignant hyperthermia in the literature. This variant has been identified in 1/251462 chromosomes in the general population by the Genome Aggregation Database (gnomAD). Loss of RYR1 function due to truncation variants is not an established disease mechanism for autosomal dominant malignant hyperthermia. The available evidence is insufficient to determine the role of this variant in disease conclusively. Therefore, this variant is classified as a Variant of Uncertain Significance for autosomal dominant malignant hyperthermia.

This study involves interpretation of variants in research participants for the purpose of population health screening. Participant phenotype was not available at the time of variant classification. Additional details can be found in publication PMID: 35346344, PMCID: PMC8962531

Literature cited by the submitters: PubMed 23919265 (cited by Labcorp Genetics (formerly Invitae), Labcorp); PubMed 25960145 (cited by Labcorp Genetics (formerly Invitae), Labcorp); PubMed 28818389 (cited by Labcorp Genetics (formerly Invitae), Labcorp); PubMed 30611313 (cited by Labcorp Genetics (formerly Invitae), Labcorp).